The following is an entry in ClinVar:

NM_024675.4(PALB2):c.923C>T (p.Ala308Val)

Gene: PALB2 (partner and localizer of BRCA2; minus strand). Cytogenetic location: 16p12.2.
Variant type: single nucleotide variant.
Coding change: c.923C>T on transcript NM_024675.4 (MANE Select); coding-DNA position 923, C replaced by T.
Protein change: p.Ala308Val; replaces alanine 308 with valine.
Molecular consequence: missense variant.
Genome position (GRCh38, 1-based): chr16:23,635,623, G>A on the plus strand (C>T on the coding strand, the complement: PALB2 is on the minus strand). VCF-style: chr16-23635623-G-A. GRCh37 (hg19) VCF-style: chr16-23646944-G-A.
Other names: c.923C>T (NM_024675.3); short protein forms A308V.
Identifiers: ClinVar variation 1043474 (VCV001043474.11), dbSNP rs1967009067, ClinGen allele CA395135308.

ClinVar aggregate classification (germline): Conflicting classifications of pathogenicity. Review status: criteria provided, conflicting classifications (1 of 4 stars). 3 submissions from 3 submitters: Uncertain significance (2); Likely benign (1). Last evaluated 2025-04-04.

Conditions:
Familial cancer of breast. Also called: hereditary breast carcinoma; Hereditary breast cancer; BREAST CANCER, FAMILIAL. Identifiers: Orphanet 227535, MedGen C0346153, MONDO:0016419, OMIM 114480. Disease mechanism: loss of function.
Hereditary cancer-predisposing syndrome. Also called: Hereditary Cancer Syndrome; Tumor predisposition; Hereditary neoplastic syndrome; Neoplastic Syndromes, Hereditary. Identifiers: Orphanet 140162, MedGen C0027672, MeSH D009386, MONDO:0015356.

Allele frequency attached by ClinVar (database versions not stated): gnomAD exomes below 0.00001.
gnomAD v4.1: 1 of 1,614,034 alleles (0.000062%); highest among the groups gnomAD compares: Non-Finnish European, 0.000085%; no homozygotes.

Submissions (3):

GeneDx
Classification: Uncertain significance. Last evaluated: 2025-04-04. Review status: criteria provided, single submitter. Criteria: GeneDx Variant Classification Process June 2021. Collection method: clinical testing. Allele origin: germline. Affected: yes.
Comment: Not observed at significant frequency in large population cohorts (gnomAD); In silico analysis indicates that this missense variant does not alter protein structure/function; Observed in individual(s) with breast cancer (PMID: 28825143); This variant is associated with the following publications: (PMID: 19369211, 28825143)

Labcorp Genetics (formerly Invitae), Labcorp
Classification: Uncertain significance for Familial cancer of breast. Last evaluated: 2024-05-18. Review status: criteria provided, single submitter. Criteria: Invitae Variant Classification Sherloc (09022015). Collection method: clinical testing. Allele origin: germline.
Comment: This sequence change replaces alanine, which is neutral and non-polar, with valine, which is neutral and non-polar, at codon 308 of the PALB2 protein (p.Ala308Val). This variant is not present in population databases (gnomAD no frequency). This missense change has been observed in individual(s) with breast cancer (PMID: 28825143). ClinVar contains an entry for this variant (Variation ID: 1043474). Advanced modeling of protein sequence and biophysical properties (such as structural, functional, and spatial information, amino acid conservation, physicochemical variation, residue mobility, and thermodynamic stability) performed at Invitae indicates that this missense variant is not expected to disrupt PALB2 protein function with a negative predictive value of 80%. In summary, the available evidence is currently insufficient to determine the role of this variant in disease. Therefore, it has been classified as a Variant of Uncertain Significance.

Ambry Genetics
Classification: Likely benign for Hereditary cancer-predisposing syndrome. Last evaluated: 2024-04-04. Review status: criteria provided, single submitter. Criteria: Ambry Variant Classification Scheme 2023. Collection method: clinical testing. Allele origin: germline.

Literature cited by the submitters: PubMed 28825143 (cited by Labcorp Genetics (formerly Invitae), Labcorp).